The following is an entry in ClinVar:

NM_020297.4(ABCC9):c.3838_3841delinsGTTTCCTGCACCAGATGGGTGC (p.Lys1280_Lys1281delinsValSerCysThrArgTrpValGln)

Genes: ABCC9 (ATP binding cassette subfamily C member 9; minus strand), KCNJ8-AS1 (KCNJ8 antisense RNA 1; plus strand). Cytogenetic location: 12p12.1.
Variant type: Indel.
Coding change: c.3838_3841delinsGTTTCCTGCACCAGATGGGTGC on transcript NM_020297.4 (MANE Select); coding-DNA positions 3838 to 3841, AAGA replaced by GTTTCCTGCACCAGATGGGTGC.
Protein change: p.Lys1280_Lys1281delinsValSerCysThrArgTrpValGln.
Molecular consequence: inframe indel.
Genome position (GRCh38, 1-based): chr12:21,817,238-21,817,241, TCTT replaced by GCACCCATCTGGTGCAGGAAAC on the plus strand (AAGA replaced by GTTTCCTGCACCAGATGGGTGC on the coding strand, the reverse complement: ABCC9 is on the minus strand). VCF-style: chr12-21817238-TCTT-GCACCCATCTGGTGCAGGAAAC. GRCh37 (hg19) VCF-style: chr12-21970172-TCTT-GCACCCATCTGGTGCAGGAAAC.
Other names: c.3838_3841delinsGTTTCCTGCACCAGATGGGTGC, p.Lys1280_Lys1281delinsValSerCysThrArgTrpValGln (NM_001377273.1, NM_005691.4); c.2971_2974delinsGTTTCCTGCACCAGATGGGTGC, p.Lys991_Lys992delinsValSerCysThrArgTrpValGln (NM_001377274.1); c.3838_3841delAAGAinsGTTTCCTGCACCAGATGGGTGC, p.Lys1280_Lys1281delinsValSerCysThrArgTrpValGln (NM_020297.2).
Identifiers: ClinVar variation 2500651 (VCV002500651.1), dbSNP rs2540878021, ClinGen allele CA2580085278.

ClinVar aggregate classification (germline): Uncertain significance (1 of 4 stars; one submission).

Submission:

GeneDx
Classification: Uncertain significance. Last evaluated: 2022-10-26. Review status: criteria provided, single submitter. Criteria: GeneDx Variant Classification Process June 2021. Collection method: clinical testing. Allele origin: germline. Affected: yes.
Comment: Not observed at significant frequency in large population cohorts (gnomAD); In-frame deletion of 2 amino acids and insertion of 8 amino acids in a non-repeat region; In silico analysis supports that this variant does not alter protein structure/function; Has not been previously published as pathogenic or benign to our knowledge